The following is an entry in ClinVar:

NM_000497.4(CYP11B1):c.1360C>A (p.Arg454Ser)

Genes: CYP11B1 (cytochrome P450 family 11 subfamily B member 1; minus strand), LOC106799833 (CYP11B1 recombination region; plus strand). Cytogenetic location: 8q24.3.
Variant type: single nucleotide variant.
Coding change: c.1360C>A on transcript NM_000497.4 (MANE Select); coding-DNA position 1360, C replaced by A.
Protein change: p.Arg454Ser; replaces arginine 454 with serine.
Molecular consequence: missense variant. On other transcripts: intron variant (1).
Genome position (GRCh38, 1-based): chr8:142,874,995, G>T on the plus strand (C>A on the coding strand, the complement: CYP11B1 is on the minus strand). VCF-style: chr8-142874995-G-T. GRCh37 (hg19) VCF-style: chr8-143956411-G-T.
Other names: c.1200+239C>A (NM_001026213.1); short protein forms R454S.
Identifiers: ClinVar variation 4802769 (VCV004802769.1).

ClinVar aggregate classification (germline): Likely pathogenic (1 of 4 stars; one submission).

Submission:

Labcorp Genetics (formerly Invitae), Labcorp
Classification: Likely pathogenic. Last evaluated: 2025-11-05. Review status: criteria provided, single submitter. Criteria: Invitae Variant Classification Sherloc (09022015). Collection method: clinical testing. Allele origin: germline.
Comment: This sequence change replaces arginine, which is basic and polar, with serine, which is neutral and polar, at codon 454 of the CYP11B1 protein (p.Arg454Ser). This variant is not present in population databases (gnomAD no frequency). This variant has not been reported in the literature in individuals affected with CYP11B1-related conditions. Invitae Evidence Modeling of protein sequence and biophysical properties (such as structural, functional, and spatial information, amino acid conservation, physicochemical variation, residue mobility, and thermodynamic stability) indicates that this missense variant is expected to disrupt CYP11B1 protein function with a positive predictive value of 95%. This variant disrupts the p.Arg454 amino acid residue in CYP11B1. Other variant(s) that disrupt this residue have been determined to be pathogenic (PMID: 25911436). This suggests that this residue is clinically significant, and that variants that disrupt this residue are likely to be disease-causing. In summary, the currently available evidence indicates that the variant is pathogenic, but additional data are needed to prove that conclusively. Therefore, this variant has been classified as Likely Pathogenic.

Literature cited by the submitters: PubMed 25911436.